The following is an entry in ClinVar:

NM_020919.4(ALS2):c.4544_4547dup (p.Ile1517fs)

Gene: ALS2 (alsin Rho guanine nucleotide exchange factor ALS2; minus strand). Cytogenetic location: 2q33.1.
Variant type: Duplication.
Coding change: c.4544_4547dup on transcript NM_020919.4 (MANE Select); coding-DNA positions 4544 to 4547, 4 bases duplicated (CAGA; older notation c.4544_4547dupCAGA).
Protein change: p.Ile1517fs; shifts the reading frame from isoleucine 1517.
Molecular consequence: frameshift variant.
Genome position (GRCh38, 1-based): chr2:201,706,879-201,706,882, TCTG duplicated on the plus strand (CAGA on the coding strand, the reverse complement: ALS2 is on the minus strand). VCF-style (leftmost placement, unchanged base first): chr2-201706878-A-ATCTG. GRCh37 (hg19) VCF-style: chr2-202571601-A-ATCTG.
Other names: short protein forms I1517fs.
Identifiers: ClinVar variation 958880 (VCV000958880.7), dbSNP rs1337097412, ClinGen allele CA763393557.

ClinVar aggregate classification (germline): Pathogenic (1 of 4 stars; one submission).

Conditions:
Infantile-onset ascending hereditary spastic paralysis (IAHSP). Also called: Infantile-Onset Ascending Hereditary Spastic Paralysis (IAHSP); Autosomal Recessive Juvenile Amyotrophic Lateral Sclerosis. Identifiers: Orphanet 293168, MedGen C2931441, MONDO:0011797, OMIM 607225. Disease mechanism: loss of function.

Allele frequency attached by ClinVar (database versions not stated): TOPMed below 0.00001; gnomAD exomes 0.00002.

Submission:

Labcorp Genetics (formerly Invitae), Labcorp
Classification: Pathogenic for Infantile-onset ascending hereditary spastic paralysis. Last evaluated: 2025-03-16. Review status: criteria provided, single submitter. Criteria: Invitae Variant Classification Sherloc (09022015). Collection method: clinical testing. Allele origin: germline.
Comment: This sequence change creates a premature translational stop signal (p.Ile1517Argfs*26) in the ALS2 gene. It is expected to result in an absent or disrupted protein product. Loss-of-function variants in ALS2 are known to be pathogenic (PMID: 11586298, 24315819). This variant is not present in population databases (gnomAD no frequency). This variant has not been reported in the literature in individuals affected with ALS2-related conditions. ClinVar contains an entry for this variant (Variation ID: 958880). For these reasons, this variant has been classified as Pathogenic.

Literature cited by the submitters: PubMed 11586298; PubMed 24315819.